The following is an entry in ClinVar:

ClinVar aggregate classification (germline): Conflicting classifications of pathogenicity. Review status: criteria provided, conflicting classifications (1 of 4 stars). 2 submissions from 2 submitters: Uncertain significance (1); Likely benign (1). Last evaluated 2024-12-31.

Allele frequency attached by ClinVar (database versions not stated): gnomAD exomes 0.00001; TOPMed 0.00001; gnomAD 0.00002; ExAC 0.00004.
gnomAD v4.1: 29 of 1,550,504 alleles (0.0019%); highest among the groups gnomAD compares: Non-Finnish European, 0.0024%; no homozygotes.

Submissions (3):

GeneDx
Classification: Uncertain significance. Last evaluated: 2024-12-31. Review status: criteria provided, single submitter. Criteria: GeneDx Variant Classification Process June 2021. Collection method: clinical testing. Allele origin: germline. Affected: yes.
Comment: Not observed at significant frequency in large population cohorts (gnomAD); In silico analysis indicates that this missense variant does not alter protein structure/function; Has not been previously published as pathogenic or benign to our knowledge

Labcorp Genetics (formerly Invitae), Labcorp
Classification: Likely benign. Last evaluated: 2024-02-17. Review status: criteria provided, single submitter. Criteria: Invitae Variant Classification Sherloc (09022015). Collection method: clinical testing. Allele origin: germline.

Dr. Peter K. Rogan Lab, Western University
No classification provided (evidence only). Condition: Thyroid cancer, nonmedullary, 1. Review status: no classification provided. Collection method: in vitro. Allele origin: not applicable. Functional consequence: retained intron. Not counted in ClinVar's aggregate classification.

NM_080680.3(COL11A2):c.4873G>A (p.Val1625Met)

Gene: COL11A2 (collagen type XI alpha 2 chain; minus strand). Cytogenetic location: 6p21.32.
Variant type: single nucleotide variant.
Coding change: c.4873G>A on transcript NM_080680.3 (MANE Select); coding-DNA position 4873, G replaced by A.
Protein change: p.Val1625Met; replaces valine 1625 with methionine.
Molecular consequence: missense variant.
Genome position (GRCh38, 1-based): chr6:33,164,464, C>T on the plus strand (G>A on the coding strand, the complement: COL11A2 is on the minus strand). VCF-style: chr6-33164464-C-T. GRCh37 (hg19) VCF-style: chr6-33132241-C-T.
Other names: c.4552G>A, p.Val1518Met (NM_080679.3); c.4615G>A, p.Val1539Met (NM_080681.3); c.4873G>A (NM_080680.2); short protein forms V1518M, V1539M, V1625M.
Identifiers: ClinVar variation 1433900 (VCV001433900.8), dbSNP rs754205211, ClinGen allele CA3749963.